The following is an entry in ClinVar:

NM_172351.3(CD46):c.72G>A (p.Met24Ile)

Genes: CD46 (CD46 molecule; plus strand), LOC129932405 (ATAC-STARR-seq lymphoblastoid active region 2449; plus strand). Cytogenetic location: 1q32.2.
Variant type: single nucleotide variant.
Coding change: c.72G>A on transcript NM_172351.3 (MANE Select); coding-DNA position 72, G replaced by A.
Protein change: p.Met24Ile; replaces methionine 24 with isoleucine.
Molecular consequence: missense variant.
Genome position (GRCh38, 1-based): chr1:207,752,284, G>A. VCF-style: chr1-207752284-G-A. GRCh37 (hg19) VCF-style: chr1-207925629-G-A.
Other names: c.72G>A, p.Met24Ile (NM_002389.4, NM_153826.4, NM_172350.3 and 8 more transcripts); short protein forms M24I.
Identifiers: ClinVar variation 1185016 (VCV001185016.7), dbSNP rs765047596, ClinGen allele CA1371520.

ClinVar aggregate classification (germline): Uncertain significance. Review status: criteria provided, multiple submitters, no conflicts (2 of 4 stars). 4 submissions from 4 submitters: Uncertain significance (4). Last evaluated 2026-07-03.

Conditions:
CD46-related disorder. Also called: CD46-related condition.
Atypical hemolytic-uremic syndrome with MCP/CD46 anomaly. Also called: HEMOLYTIC UREMIC SYNDROME, ATYPICAL, SUSCEPTIBILITY TO, 2; AHUS, SUSCEPTIBILITY TO, 2. Identifiers: Orphanet 2134, MedGen C2752040, MONDO:0013040, OMIM 612922.

Allele frequency attached by ClinVar (database versions not stated): TOPMed 0.00002; ExAC 0.00002; gnomAD exomes below 0.00001; gnomAD 0.00002.
gnomAD v4.1: 5 of 1,614,042 alleles (0.00031%); highest among the groups gnomAD compares: Non-Finnish European, 0.00042%; no homozygotes.

Submissions (4):

Ambry Genetics
Classification: Uncertain significance. Last evaluated: 2026-07-03. Review status: criteria provided, single submitter. Criteria: Ambry Variant Classification Scheme 2023. Collection method: clinical testing. Allele origin: germline.

PreventionGenetics, part of Exact Sciences
Classification: Uncertain significance for CD46-related condition. Last evaluated: 2025-11-01. Review status: criteria provided, single submitter. Criteria: ACMG Guidelines, 2015. Collection method: clinical testing. Allele origin: germline.
Comment: The CD46 c.72G>A variant is predicted to result in the amino acid substitution p.Met24Ile. To our knowledge, this variant has not been reported in the literature. This variant is reported in 0.00088% of alleles in individuals of European (Non-Finnish) descent in gnomAD. At this time, the clinical significance of this variant is uncertain due to the absence of conclusive functional and genetic evidence.

Labcorp Genetics (formerly Invitae), Labcorp
Classification: Uncertain significance. Last evaluated: 2025-05-05. Review status: criteria provided, single submitter. Criteria: Invitae Variant Classification Sherloc (09022015). Collection method: clinical testing. Allele origin: germline.
Comment: This sequence change replaces methionine, which is neutral and non-polar, with isoleucine, which is neutral and non-polar, at codon 24 of the CD46 protein (p.Met24Ile). This variant is present in population databases (rs765047596, gnomAD 0.002%). This variant has not been reported in the literature in individuals affected with CD46-related conditions. ClinVar contains an entry for this variant (Variation ID: 1185016). An algorithm developed to predict the effect of missense changes on protein structure and function (PolyPhen-2) suggests that this variant is likely to be tolerated. In summary, the available evidence is currently insufficient to determine the role of this variant in disease. Therefore, it has been classified as a Variant of Uncertain Significance.

Johns Hopkins Genomics, Johns Hopkins University
Classification: Uncertain significance for Atypical hemolytic-uremic syndrome with MCP/CD46 anomaly. Last evaluated: 2021-07-27. Review status: criteria provided, single submitter. Criteria: ACMG Guidelines, 2015. Collection method: clinical testing. Allele origin: germline.
Comment: CD46 c.72G>A (rs765047596) is rare (<0.1%) in a large population dataset (gnomAD: 1/251322 total alleles; 0.0004%; no homozygotes) and has not been reported in ClinVar nor the literature, to our knowledge. Three bioinformatic tools queried predict that this substitution would be tolerated and the methionine residue at this position is not evolutionarily conserved across the species assessed. We consider the clinical significance of CD46 c.72G>A to be uncertain at this time.